The following is an entry in ClinVar:

ClinVar aggregate classification (germline): Uncertain significance (1 of 4 stars; one submission).

Allele frequency attached by ClinVar (database versions not stated): TOPMed below 0.00001.

Submission:

Labcorp Genetics (formerly Invitae), Labcorp
Classification: Uncertain significance. Last evaluated: 2024-04-26. Review status: criteria provided, single submitter. Criteria: Invitae Variant Classification Sherloc (09022015). Collection method: clinical testing. Allele origin: germline.
Comment: This sequence change replaces isoleucine, which is neutral and non-polar, with valine, which is neutral and non-polar, at codon 43 of the PSMB4 protein (p.Ile43Val). This variant is not present in population databases (gnomAD no frequency). This variant has not been reported in the literature in individuals affected with PSMB4-related conditions. ClinVar contains an entry for this variant (Variation ID: 2120051). Algorithms developed to predict the effect of missense changes on protein structure and function output the following: SIFT: "Not Available"; PolyPhen-2: "Benign"; Align-GVGD: "Not Available". The valine amino acid residue is found in multiple mammalian species, which suggests that this missense change does not adversely affect protein function. In summary, the available evidence is currently insufficient to determine the role of this variant in disease. Therefore, it has been classified as a Variant of Uncertain Significance.

NM_002796.3(PSMB4):c.127A>G (p.Ile43Val)

Gene: PSMB4 (proteasome 20S subunit beta 4; plus strand). Cytogenetic location: 1q21.3.
Variant type: single nucleotide variant.
Coding change: c.127A>G on transcript NM_002796.3 (MANE Select); coding-DNA position 127, A replaced by G.
Protein change: p.Ile43Val; replaces isoleucine 43 with valine.
Molecular consequence: missense variant.
Genome position (GRCh38, 1-based): chr1:151,399,714, A>G. VCF-style: chr1-151399714-A-G. GRCh37 (hg19) VCF-style: chr1-151372190-A-G.
Other names: short protein forms I43V.
Identifiers: ClinVar variation 2120051 (VCV002120051.4), dbSNP rs1652750815, ClinGen allele CA341919790.